The following is an entry in ClinVar:

NM_000463.3(UGT1A1):c.1124C>T (p.Ser375Phe)

Genes: UGT1A (UDP glucuronosyltransferase family 1 member A complex locus; plus strand), UGT1A1 (UDP glucuronosyltransferase family 1 member A1; plus strand), UGT1A10 (UDP glucuronosyltransferase family 1 member A10; plus strand), UGT1A3 (UDP glucuronosyltransferase family 1 member A3; plus strand), UGT1A4 (UDP glucuronosyltransferase family 1 member A4; plus strand) and 5 more. Cytogenetic location: 2q37.1.
Variant type: single nucleotide variant.
Coding change: c.1124C>T on transcript NM_000463.3 (MANE Select); coding-DNA position 1124, C replaced by T.
Protein change: p.Ser375Phe; replaces serine 375 with phenylalanine.
Molecular consequence: missense variant.
Genome position (GRCh38, 1-based): chr2:233,768,259, C>T. VCF-style: chr2-233768259-C-T. GRCh37 (hg19) VCF-style: chr2-234676905-C-T.
Other names: UGT1A1*3; 1124(C>T); c.1115C>T, p.Ser372Phe (NM_019075.4, NM_019076.5, NM_019077.3 and 1 more transcripts); c.1121C>T, p.Ser374Phe (NM_001072.4); c.320C>T, p.Ser107Phe (NM_205862.3); c.1127C>T, p.Ser376Phe (NM_019078.2, NM_007120.3, NM_019093.4); short protein forms S376F, S107F, S372F, S374F, S375F.
Identifiers: ClinVar variation 12267 (VCV000012267.8), dbSNP rs72551353, ClinGen allele CA122007.

ClinVar aggregate classification (germline): Pathogenic. Review status: criteria provided, multiple submitters, no conflicts (2 of 4 stars). 4 submissions from 4 submitters: Pathogenic (3). 1 of the submissions does not count toward it. Last evaluated 2025-12-03.

Conditions:
UGT1A1-related disorder. Also called: UGT1A1-related disorders; UGT1A1-related condition.
Crigler-Najjar syndrome. Identifiers: Orphanet 205, MedGen C5551003, MONDO:0009044.
Crigler-Najjar syndrome type 1. Also called: HYPERBILIRUBINEMIA, CRIGLER-NAJJAR TYPE I. Identifiers: Orphanet 79234, MedGen C0010324, MONDO:0021020, OMIM 218800.

Allele frequency attached by ClinVar (database versions not stated): gnomAD 0.00001; TOPMed 0.00001; gnomAD exomes 0.00002.
gnomAD v4.1: 29 of 1,614,010 alleles (0.0018%); highest among the groups gnomAD compares: Non-Finnish European, 0.0024%; no homozygotes.

Submissions (4):

Labcorp Genetics (formerly Invitae), Labcorp
Classification: Pathogenic. Last evaluated: 2025-12-03. Review status: criteria provided, single submitter. Criteria: Invitae Variant Classification Sherloc (09022015). Collection method: clinical testing. Allele origin: germline.
Comment: This sequence change replaces serine, which is neutral and polar, with phenylalanine, which is neutral and non-polar, at codon 375 of the UGT1A1 protein (p.Ser375Phe). This variant is not present in population databases (gnomAD no frequency). This missense change has been observed in individual(s) with Crigler-Najjar syndrome type I (PMID: 1634050, 7906695). ClinVar contains an entry for this variant (Variation ID: 12267). Invitae Evidence Modeling of protein sequence and biophysical properties (such as structural, functional, and spatial information, amino acid conservation, physicochemical variation, residue mobility, and thermodynamic stability) has been performed for this missense variant. However, the output from this modeling did not meet the statistical confidence thresholds required to predict the impact of this variant on UGT1A1 protein function. Experimental studies have shown that this missense change affects UGT1A1 function (PMID: 7906695). For these reasons, this variant has been classified as Pathogenic.

PreventionGenetics, part of Exact Sciences
Classification: Pathogenic for UGT1A1-related condition. Last evaluated: 2025-11-04. Review status: criteria provided, single submitter. Criteria: ACMG Guidelines, 2015. Collection method: clinical testing. Allele origin: germline.
Comment: The UGT1A1 c.1124C>T variant is predicted to result in the amino acid substitution p.Ser375Phe. This variant was reported in the homozygous or compound heterozygous state in multiple individuals with Crigler-Najjar syndrome 1 (Bosma et al. 1992. PubMed ID: 1634050; Erps et al. 1994. PubMed ID: 7906695; Servedio et al. 2005. PubMed ID: 15712364; Jorns et al. 2016. PubMed ID: 26523372). In vitro analysis indicates that this variant abolishes enzyme activity (Erps et al. 1994. PubMed ID: 7906695). This variant has not been reported in a large population database (gnomAD), indicating this variant is rare. This variant is interpreted as pathogenic.

Women's Health and Genetics/Laboratory Corporation of America, LabCorp
Classification: Pathogenic for Crigler-Najjar syndrome. Last evaluated: 2023-09-18. Review status: criteria provided, single submitter. Criteria: LabCorp Variant Classification Summary - May 2015. Collection method: clinical testing. Allele origin: germline.
Comment: Variant summary: UGT1A1 c.1124C>T (p.Ser375Phe) results in a non-conservative amino acid change in the encoded protein sequence. Five of five in-silico tools predict a damaging effect of the variant on protein function. The variant was absent in 249056 control chromosomes (gnomAD). c.1124C>T has been reported in the literature as a biallelic genotype in individuals affected with Crigler-Najjar syndrome (e.g. Bosma_1992, Erps_1994, Servedio_2005). These data indicate that the variant is likely to be associated with disease. At least one publication reports experimental evidence evaluating an impact on protein function (Erps_1994). The most pronounced variant effect results in undetectable enzyme activity in vitro. The following publications have been ascertained in the context of this evaluation (PMID: 1634050, 7906695, 15712364). One submitter has cited a clinical-significance assessment for this variant to ClinVar after 2014 and has classified the variant as pathogenic. Based on the evidence outlined above, the variant was classified as pathogenic.

OMIM
Classification: Pathogenic for CRIGLER-NAJJAR SYNDROME, TYPE I. Last evaluated: 1994-02-01. Review status: no assertion criteria provided. Collection method: literature only. Allele origin: germline. Not counted in ClinVar's aggregate classification.

Literature cited by the submitters: PubMed 1634050 (cited by 3 submitters); PubMed 7906695 (cited by 3 submitters); PubMed 15712364 (cited by Women's Health and Genetics/Laboratory Corporation of America, LabCorp); PubMed 1692835 (cited by OMIM).